The following is an entry in ClinVar:

NM_001942.4(DSG1):c.2433G>C (p.Glu811Asp)

Genes: DSG1 (desmoglein 1; plus strand), DSG1-AS1 (DSG1 antisense RNA 1; minus strand), LOC126862720 (MED14-independent group 3 enhancer GRCh37_chr18:28933613-28934812; plus strand). Cytogenetic location: 18q12.1.
Variant type: single nucleotide variant.
Coding change: c.2433G>C on transcript NM_001942.4 (MANE Select); coding-DNA position 2433, G replaced by C.
Protein change: p.Glu811Asp; replaces glutamic acid 811 with aspartic acid.
Molecular consequence: missense variant.
Genome position (GRCh38, 1-based): chr18:31,354,629, G>C. VCF-style: chr18-31354629-G-C. GRCh37 (hg19) VCF-style: chr18-28934592-G-C.
Other names: short protein forms E811D.
Identifiers: ClinVar variation 2009762 (VCV002009762.4), dbSNP rs1285011917, ClinGen allele CA402122730.

ClinVar aggregate classification (germline): Uncertain significance (1 of 4 stars; one submission).

Submission:

Labcorp Genetics (formerly Invitae), Labcorp
Classification: Uncertain significance. Last evaluated: 2024-01-20. Review status: criteria provided, single submitter. Criteria: Invitae Variant Classification Sherloc (09022015). Collection method: clinical testing. Allele origin: germline.
Comment: This sequence change replaces glutamic acid, which is acidic and polar, with aspartic acid, which is acidic and polar, at codon 811 of the DSG1 protein (p.Glu811Asp). This variant is present in population databases (no rsID available, gnomAD 0.0009%). This variant has not been reported in the literature in individuals affected with DSG1-related conditions. ClinVar contains an entry for this variant (Variation ID: 2009762). Advanced modeling of protein sequence and biophysical properties (such as structural, functional, and spatial information, amino acid conservation, physicochemical variation, residue mobility, and thermodynamic stability) performed at Invitae indicates that this missense variant is not expected to disrupt DSG1 protein function with a negative predictive value of 80%. In summary, the available evidence is currently insufficient to determine the role of this variant in disease. Therefore, it has been classified as a Variant of Uncertain Significance.